The following is an entry in ClinVar:

NM_005732.4(RAD50):c.2830-1G>A

Gene: RAD50 (RAD50 double strand break repair protein; plus strand). Cytogenetic location: 5q31.1.
Variant type: single nucleotide variant.
Coding change: c.2830-1G>A on transcript NM_005732.4 (MANE Select); the canonical splice acceptor site of the intron before coding-DNA position 2830, G replaced by A.
Molecular consequence: splice acceptor variant.
Genome position (GRCh38, 1-based): chr5:132,609,116, G>A. VCF-style: chr5-132609116-G-A. GRCh37 (hg19) VCF-style: chr5-131944808-G-A.
Identifiers: ClinVar variation 2026536 (VCV002026536.4), dbSNP rs2479370902, ClinGen allele CA360959332.

ClinVar aggregate classification (germline): Likely pathogenic (1 of 4 stars; one submission).

Conditions:
Hereditary cancer-predisposing syndrome. Also called: Hereditary Cancer Syndrome; Tumor predisposition; Neoplastic Syndromes, Hereditary; Hereditary neoplastic syndrome. Identifiers: Orphanet 140162, MedGen C0027672, MeSH D009386, MONDO:0015356.

Submission:

Labcorp Genetics (formerly Invitae), Labcorp
Classification: Likely pathogenic for Hereditary cancer-predisposing syndrome. Last evaluated: 2022-08-23. Review status: criteria provided, single submitter. Criteria: Invitae Variant Classification Sherloc (09022015). Collection method: clinical testing. Allele origin: germline.
Comment: In summary, the currently available evidence indicates that the variant is pathogenic, but additional data are needed to prove that conclusively. Therefore, this variant has been classified as Likely Pathogenic. Algorithms developed to predict the effect of sequence changes on RNA splicing suggest that this variant may disrupt the consensus splice site. This variant has not been reported in the literature in individuals affected with RAD50-related conditions. This variant is not present in population databases (gnomAD no frequency). This sequence change affects an acceptor splice site in intron 17 of the RAD50 gene. It is expected to disrupt RNA splicing. Variants that disrupt the donor or acceptor splice site typically lead to a loss of protein function (PMID: 16199547), and loss-of-function variants in RAD50 are known to be pathogenic (PMID: 19409520).

Literature cited by the submitters: PubMed 16199547; PubMed 19409520.